The following is an entry in ClinVar:

ClinVar aggregate classification (germline): Uncertain significance (1 of 4 stars; one submission).

Conditions:
Neurodevelopmental disorder with or without variable movement or behavioral abnormalities (NEDMAB). Identifiers: MedGen C5676908, MONDO:0859225, OMIM 619725.

gnomAD v4.1: 4 of 1,371,634 alleles (0.00029%); highest among the groups gnomAD compares: Admixed American, 0.0059%; no homozygotes.

Submission:

Juno Genomics, Hangzhou Juno Genomics, Inc
Classification: Uncertain significance for Neurodevelopmental disorder with or without variable movement or behavioral abnormalities. Review status: criteria provided, single submitter. Criteria: ACMG Guidelines, 2015. Collection method: clinical testing. Allele origin: germline. Affected: yes.
Comment: Absent from controls (or at extremely low frequency if recessive) in Genome Aggregation Database, Exome Sequencing Project, 1000 Genomes Project, or Exome Aggregation Consortium.

NM_021614.4(KCNN2):c.520G>A (p.Gly174Ser)

Gene: KCNN2 (potassium calcium-activated channel subfamily N member 2; plus strand). Cytogenetic location: 5q22.3.
Variant type: single nucleotide variant.
Coding change: c.520G>A on transcript NM_021614.4 (MANE Select); coding-DNA position 520, G replaced by A.
Protein change: p.Gly174Ser; replaces glycine 174 with serine.
Molecular consequence: missense variant. On other transcripts: non-coding transcript variant (1).
Genome position (GRCh38, 1-based): chr5:114,362,659, G>A. VCF-style: chr5-114362659-G-A. GRCh37 (hg19) VCF-style: chr5-113698356-G-A.
Other names: c.718G>A, p.Gly240Ser (NM_001372233.1); short protein forms G174S, G240S.
Identifiers: ClinVar variation 3383064 (VCV003383064.2).